The following is an entry in ClinVar:

Single allele

Variant type: Duplication.
Identifiers: ClinVar variation 156796 (VCV000156796.2).

ClinVar aggregate classification (germline): not provided (0 of 4 stars; one submission).

Conditions:
Gestational diabetes mellitus uncontrolled. Identifiers: MedGen C3532257.

Submission:

Institute of Molecular and Cell Biology, University of Tartu
No classification provided. Condition: Gestational diabetes mellitus uncontrolled. Review status: no classification provided. Collection method: case-control. Allele origin: unknown. Affected: yes. Study: Kasak2014.
Comment: The study aimed to determine the contribution of copy number variants in the genetic etiology of normal and complicated pregnancies. The samples represented (i) maternal blood DNA drawn from healthy pregnant women during 1st or 2nd trimester and (ii) maternal and paternal blood DNA drawn at term pregnancy cases representing normal and complicated gestations (severe preeclampsia, PE; gestational diabetes, GD; small-for-gestational age newborn, SGA; large-for-gestational age newborn, LGA). We performed CNV calling based on genome-wide genotyping dataset (Illumina HumanOmniExpress-24-v1 BeadChip) by applying three algorithms, QuantiSNP, GADA (Genome Alteration Detection Algorithm) and CNstream in parallel. The acquired CNV calls were merged with HD-CNV (Hotspot Detector for Copy Number Variants) program and only the CNVs predicted by at least two programs, were considered in subsequent analysis.

Literature cited by the submitters: PubMed 25666259.